The following is an entry in ClinVar:

NM_144670.6(A2ML1):c.341T>C (p.Leu114Pro)

Genes: A2ML1 (alpha-2-macroglobulin like 1; plus strand), A2ML1-AS1 (A2ML1 antisense RNA 1; minus strand). Cytogenetic location: 12p13.31.
Variant type: single nucleotide variant.
Coding change: c.341T>C on transcript NM_144670.6 (MANE Select); coding-DNA position 341, T replaced by C.
Protein change: p.Leu114Pro; replaces leucine 114 with proline.
Molecular consequence: missense variant.
Genome position (GRCh38, 1-based): chr12:8,823,814, T>C. VCF-style: chr12-8823814-T-C. GRCh37 (hg19) VCF-style: chr12-8976410-T-C.
Other names: short protein forms L114P.
Identifiers: ClinVar variation 3660127 (VCV003660127.2).

ClinVar aggregate classification (germline): Uncertain significance (1 of 4 stars; one submission).

Submission:

Labcorp Genetics (formerly Invitae), Labcorp
Classification: Uncertain significance. Last evaluated: 2024-03-15. Review status: criteria provided, single submitter. Criteria: Invitae Variant Classification Sherloc (09022015). Collection method: clinical testing. Allele origin: germline.
Comment: This sequence change replaces leucine, which is neutral and non-polar, with proline, which is neutral and non-polar, at codon 114 of the A2ML1 protein (p.Leu114Pro). This variant is not present in population databases (gnomAD no frequency). This variant has not been reported in the literature in individuals affected with A2ML1-related conditions. An algorithm developed to predict the effect of missense changes on protein structure and function (PolyPhen-2) suggests that this variant is likely to be disruptive. In summary, the available evidence is currently insufficient to determine the role of this variant in disease. Therefore, it has been classified as a Variant of Uncertain Significance.